The following is an entry in ClinVar:

ClinVar aggregate classification (germline): Uncertain significance (1 of 4 stars; one submission).

Submission:

Women's Health and Genetics/Laboratory Corporation of America, LabCorp
Classification: Uncertain significance. Last evaluated: 2024-10-08. Review status: criteria provided, single submitter. Criteria: LabCorp Variant Classification Summary - May 2015. Collection method: clinical testing. Allele origin: germline.
Comment: Variant summary: SHH c.562+3A>G alters a non-conserved nucleotide located close to a canonical splice site and therefore could affect mRNA splicing, leading to a significantly altered protein sequence. Consensus agreement among computation tools predict no significant impact on normal splicing. However, these predictions have yet to be confirmed by functional studies. The variant allele was found at a frequency of 1.2e-05 in 248304 control chromosomes. The available data on variant occurrences in the general population are insufficient to allow any conclusion about variant significance. To our knowledge, no occurrence of c.562+3A>G in individuals affected with SHH-Related Disorders and no experimental evidence demonstrating its impact on protein function have been reported. No submitters have cited clinical-significance assessments for this variant to ClinVar. Based on the evidence outlined above, the variant was classified as uncertain significance.

NM_000193.4(SHH):c.562+3A>G

Gene: SHH (sonic hedgehog signaling molecule; minus strand). Cytogenetic location: 7q36.3.
Variant type: single nucleotide variant.
Coding change: c.562+3A>G on transcript NM_000193.4 (MANE Select); 3 bases into the intron after coding-DNA position 562, A replaced by G.
Molecular consequence: intron variant.
Genome position (GRCh38, 1-based): chr7:155,806,293, T>C on the plus strand (A>G on the coding strand, the complement: SHH is on the minus strand). VCF-style: chr7-155806293-T-C. GRCh37 (hg19) VCF-style: chr7-155598987-T-C.
Other names: c.301+3A>G (NM_001310462.2).
Identifiers: ClinVar variation 3384847 (VCV003384847.1).
Genomic context (GRCh38, chr7:155,806,293, plus strand): 5'-ATCAAGCCGAGGTGCGCCAATGGCCTTCCTTGGGTCGGATCCGGGGGGCCAGGGCCAGCT[T>C]ACCTGCTTTCACCGAGCAGTGGATATGTGCCTTGGACTCGTAGTACACCCAGTCGAAGCC-3'